The following is an entry in ClinVar:

ClinVar aggregate classification (germline): Likely benign. Review status: criteria provided, multiple submitters, no conflicts (2 of 4 stars). 5 submissions from 5 submitters: Likely benign (4). 1 of the submissions does not count toward it. Last evaluated 2025-10-07.

Conditions:
CACNA1H-related disorder.
Idiopathic generalized epilepsy. Also called: EIG; Generalised epilepsy. Identifiers: MedGen C0270850, MONDO:0005579, OMIM 600669.
Hyperaldosteronism, familial, type IV (HALD4). Also called: FH IV; ALDOSTERONISM, PRIMARY, AND HYPERTENSION. Identifiers: Orphanet 642671, MedGen C4310756, MONDO:0014875, OMIM 617027.
Epilepsy, childhood absence, susceptibility to, 6. Identifiers: Orphanet 64280, MedGen C2749872, MONDO:0012763, OMIM 611942.

Allele frequency attached by ClinVar (database versions not stated): gnomAD exomes 0.00010 and 0.00028; TOPMed 0.00014; gnomAD 0.00015 and 0.00016; ExAC 0.00019; ESP Exome Variant Server 0.00024.

Submissions (5):

Labcorp Genetics (formerly Invitae), Labcorp
Classification: Likely benign for Idiopathic generalized epilepsy; Hyperaldosteronism, familial, type IV. Last evaluated: 2025-10-07. Review status: criteria provided, single submitter. Criteria: Invitae Variant Classification Sherloc (09022015). Collection method: clinical testing. Allele origin: germline.

Women's Health and Genetics/Laboratory Corporation of America, LabCorp
Classification: Likely benign. Last evaluated: 2025-05-28. Review status: criteria provided, single submitter. Criteria: LabCorp Variant Classification Summary - May 2015. Collection method: clinical testing. Allele origin: germline.

Blueprint Genetics
Classification: Likely benign. Last evaluated: 2023-07-12. Review status: criteria provided, single submitter. Criteria: ACMG Guidelines, 2015. Collection method: clinical testing. Allele origin: germline.

Fulgent Genetics
Classification: Likely benign for Epilepsy, childhood absence, susceptibility to, 6; Hyperaldosteronism, familial, type IV. Last evaluated: 2022-05-02. Review status: criteria provided, single submitter. Criteria: ACMG Guidelines, 2015. Collection method: clinical testing. Allele origin: unknown.

PreventionGenetics, part of Exact Sciences
Classification: Likely benign for CACNA1H-related condition. Last evaluated: 2019-10-28. Review status: no assertion criteria provided. Collection method: clinical testing. Allele origin: germline. Not counted in ClinVar's aggregate classification.
Comment: This variant is classified as likely benign based on ACMG/AMP sequence variant interpretation guidelines (Richards et al. 2015 PMID: 25741868, with internal and published modifications).

NM_021098.3(CACNA1H):c.2790-5C>T

Gene: CACNA1H (calcium voltage-gated channel subunit alpha1 H; plus strand). Cytogenetic location: 16p13.3.
Variant type: single nucleotide variant.
Coding change: c.2790-5C>T on transcript NM_021098.3 (MANE Select); 5 bases into the intron before coding-DNA position 2790, C replaced by T.
Molecular consequence: intron variant.
Genome position (GRCh38, 1-based): chr16:1,206,996, C>T. VCF-style: chr16-1206996-C-T. GRCh37 (hg19) VCF-style: chr16-1256996-C-T.
Other names: c.2790-5C>T (NM_001005407.2, NM_021098.2).
Identifiers: ClinVar variation 1138976 (VCV001138976.14), dbSNP rs369327243, ClinGen allele CA7800450.